The following is an entry in ClinVar:

NM_001036.6(RYR3):c.4473C>T (p.Asp1491=)

Gene: RYR3 (ryanodine receptor 3; plus strand). Cytogenetic location: 15q14.
Variant type: single nucleotide variant.
Coding change: c.4473C>T on transcript NM_001036.6 (MANE Select); coding-DNA position 4473, C replaced by T.
Protein change: p.Asp1491=; no amino-acid change (aspartic acid 1491 retained).
Molecular consequence: synonymous variant.
Genome position (GRCh38, 1-based): chr15:33,660,274, C>T. VCF-style: chr15-33660274-C-T. GRCh37 (hg19) VCF-style: chr15-33952475-C-T.
Other names: c.4473C>T, p.Asp1491= (NM_001243996.4).
Identifiers: ClinVar variation 461913 (VCV000461913.35), dbSNP rs61996324, ClinGen allele CA7459018.

ClinVar aggregate classification (germline): Benign/Likely benign. Review status: criteria provided, multiple submitters, no conflicts (2 of 4 stars). 3 submissions from 3 submitters: Benign (1); Likely benign (2). Last evaluated 2026-09-01.

Conditions:
Epileptic encephalopathy. Identifiers: MedGen C0543888, HP:0200134.

Allele frequency attached by ClinVar (database versions not stated): gnomAD exomes 0.00218 and 0.00376; 1000 Genomes Project 30x 0.00219; ESP Exome Variant Server 0.00220; 1000 Genomes Project 0.00240; gnomAD 0.00255 and 0.00260; TOPMed 0.00267; ExAC 0.00281.
gnomAD v4.1: 5,594 of 1,558,636 alleles (0.36%); highest among the groups gnomAD compares: Non-Finnish European, 0.44%; 13 homozygotes.

Submissions (3):

CeGaT Center for Human Genetics Tuebingen
Classification: Likely benign. Last evaluated: 2026-09-01. Review status: criteria provided, single submitter. Criteria: CeGaT Center For Human Genetics Tuebingen Variant Classification Criteria Version 2. Collection method: clinical testing. Allele origin: germline. Affected: yes. Observed: 10 variant alleles.
Comment: RYR3: BP4, BP7, BS2

Labcorp Genetics (formerly Invitae), Labcorp
Classification: Benign for Epileptic encephalopathy. Last evaluated: 2026-01-15. Review status: criteria provided, single submitter. Criteria: Invitae Variant Classification Sherloc (09022015). Collection method: clinical testing. Allele origin: germline.

Blueprint Genetics
Classification: Likely benign. Last evaluated: 2024-11-21. Review status: criteria provided, single submitter. Criteria: ACMG Guidelines, 2015. Collection method: clinical testing. Allele origin: germline.